The following is an entry in ClinVar:

NM_012418.4(FSCN2):c.265C>T (p.Arg89Cys)

Gene: FSCN2 (fascin actin-bundling protein 2, retinal; plus strand). Cytogenetic location: 17q25.3.
Variant type: single nucleotide variant.
Coding change: c.265C>T on transcript NM_012418.4 (MANE Select); coding-DNA position 265, C replaced by T.
Protein change: p.Arg89Cys; replaces arginine 89 with cysteine.
Molecular consequence: missense variant.
Genome position (GRCh38, 1-based): chr17:81,528,796, C>T. VCF-style: chr17-81528796-C-T. GRCh37 (hg19) VCF-style: chr17-79495822-C-T.
Other names: c.265C>T (NM_001077182.2); c.265C>T, p.Arg89Cys (NM_001077182.3); short protein forms R89C.
Identifiers: ClinVar variation 1478288 (VCV001478288.8), dbSNP rs782187587, ClinGen allele CA8836629.

ClinVar aggregate classification (germline): Uncertain significance. Review status: criteria provided, multiple submitters, no conflicts (2 of 4 stars). 3 submissions from 3 submitters: Uncertain significance (3). Last evaluated 2025-04-16.

Allele frequency attached by ClinVar (database versions not stated): TOPMed 0.00003; gnomAD 0.00004; ExAC 0.00005.
gnomAD v4.1: 97 of 1,564,436 alleles (0.0062%); highest among the groups gnomAD compares: Non-Finnish European, 0.008%; no homozygotes.

Submissions (3):

Labcorp Genetics (formerly Invitae), Labcorp
Classification: Uncertain significance. Last evaluated: 2025-04-16. Review status: criteria provided, single submitter. Criteria: Invitae Variant Classification Sherloc (09022015). Collection method: clinical testing. Allele origin: germline.
Comment: This sequence change replaces arginine, which is basic and polar, with cysteine, which is neutral and slightly polar, at codon 89 of the FSCN2 protein (p.Arg89Cys). This variant is present in population databases (rs782187587, gnomAD 0.006%). This variant has not been reported in the literature in individuals affected with FSCN2-related conditions. ClinVar contains an entry for this variant (Variation ID: 1478288). An algorithm developed to predict the effect of missense changes on protein structure and function outputs the following: PolyPhen-2: "Possibly Damaging". The cysteine amino acid residue is found in multiple mammalian species, which suggests that this missense change does not adversely affect protein function. In summary, the available evidence is currently insufficient to determine the role of this variant in disease. Therefore, it has been classified as a Variant of Uncertain Significance.

Ambry Genetics
Classification: Uncertain significance. Last evaluated: 2024-08-10. Review status: criteria provided, single submitter. Criteria: Ambry Variant Classification Scheme 2023. Collection method: clinical testing. Allele origin: germline.

Breakthrough Genomics
Classification: Uncertain significance. Review status: criteria provided, single submitter. Criteria: ACMG Guidelines, 2015. Collection method: not provided. Allele origin: germline. Inheritance: Unknown mechanism. Affected: yes.